The following is an entry in ClinVar:

ClinVar aggregate classification (germline): Uncertain significance. Review status: criteria provided, multiple submitters, no conflicts (2 of 4 stars). 2 submissions from 2 submitters: Uncertain significance (2). Last evaluated 2024-10-08.

Allele frequency attached by ClinVar (database versions not stated): gnomAD 0.00007 and 0.00009; ExAC 0.00013; gnomAD exomes 0.00014; 1000 Genomes Project 30x 0.00016; 1000 Genomes Project 0.00020; TOPMed 0.00021.
gnomAD v4.1: 103 of 1,614,130 alleles (0.0064%); highest among the groups gnomAD compares: Middle Eastern, 0.083%; 1 homozygote.

Submissions (2):

Blueprint Genetics
Classification: Uncertain significance. Last evaluated: 2024-10-08. Review status: criteria provided, single submitter. Criteria: ACMG Guidelines, 2015. Collection method: clinical testing. Allele origin: germline.

Labcorp Genetics (formerly Invitae), Labcorp
Classification: Uncertain significance. Last evaluated: 2022-08-03. Review status: criteria provided, single submitter. Criteria: Invitae Variant Classification Sherloc (09022015). Collection method: clinical testing. Allele origin: germline.
Comment: This sequence change replaces arginine, which is basic and polar, with histidine, which is basic and polar, at codon 262 of the RNF216 protein (p.Arg262His). This variant is present in population databases (rs191573023, gnomAD 0.05%), including at least one homozygous and/or hemizygous individual. This missense change has been observed in individual(s) with prepubertal ovarian cysts (PMID: 34055685). ClinVar contains an entry for this variant (Variation ID: 1062236). Algorithms developed to predict the effect of missense changes on protein structure and function (SIFT, PolyPhen-2, Align-GVGD) all suggest that this variant is likely to be tolerated. In summary, the available evidence is currently insufficient to determine the role of this variant in disease. Therefore, it has been classified as a Variant of Uncertain Significance.

Literature cited by the submitters: PubMed 34055685 (cited by Labcorp Genetics (formerly Invitae), Labcorp).

NM_207111.4(RNF216):c.785G>A (p.Arg262His)

Gene: RNF216 (ring finger protein 216; minus strand). Cytogenetic location: 7p22.1.
Variant type: single nucleotide variant.
Coding change: c.785G>A on transcript NM_207111.4 (MANE Select); coding-DNA position 785, G replaced by A.
Protein change: p.Arg262His; replaces arginine 262 with histidine.
Molecular consequence: missense variant.
Genome position (GRCh38, 1-based): chr7:5,741,232, C>T on the plus strand (G>A on the coding strand, the complement: RNF216 is on the minus strand). VCF-style: chr7-5741232-C-T. GRCh37 (hg19) VCF-style: chr7-5780863-C-T.
Other names: c.614G>A, p.Arg205His (NM_001377156.1, NM_207116.3); short protein forms R205H, R262H.
Identifiers: ClinVar variation 1062236 (VCV001062236.5), dbSNP rs191573023, ClinGen allele CA4148451.